The following is an entry in ClinVar:

ClinVar aggregate classification (germline): Likely benign (1 of 4 stars; one submission).

Conditions:
Inflammatory bowel disease 28. Also called: Inflammatory bowel disease 28, early onset, autosomal recessive. Identifiers: Orphanet 238569, MedGen C2751053, MONDO:0013153, OMIM 613148.

Allele frequency attached by ClinVar (database versions not stated): ExAC below 0.00001; gnomAD 0.00026; TOPMed 0.00032; gnomAD exomes 0.00083; 1000 Genomes Project 30x 0.00359; 1000 Genomes Project 0.00379.
gnomAD v4.1: 192 of 454,226 alleles (0.042%); highest among the groups gnomAD compares: East Asian, 0.93%; 1 homozygote.

Submission:

Illumina Laboratory Services, Illumina
Classification: Likely benign for Inflammatory bowel disease 28. Last evaluated: 2018-01-13. Review status: criteria provided, single submitter. Criteria: ICSL Variant Classification Criteria 13 December 2019. Collection method: clinical testing. Allele origin: germline.
Comment: This variant was observed in the ICSL laboratory as part of a predisposition screen in an ostensibly healthy population. It had not been previously curated by ICSL or reported in the Human Gene Mutation Database (HGMD: prior to June 1st, 2018), and was therefore a candidate for classification through an automated scoring system. Utilizing variant allele frequency, disease prevalence and penetrance estimates, and inheritance mode, an automated score was calculated to assess if this variant is too frequent to cause the disease. Based on the score and internal cut-off values, a variant classified as likely benign is not then subjected to further curation. The score for this variant resulted in a classification of likely benign for this disease.

NM_001558.4(IL10RA):c.*756T>C

Gene: IL10RA (interleukin 10 receptor subunit alpha; plus strand). Cytogenetic location: 11q23.3.
Variant type: single nucleotide variant.
Coding change: c.*756T>C on transcript NM_001558.4 (MANE Select); 756 bases downstream of the stop codon, T replaced by C.
Molecular consequence: 3 prime UTR variant. On other transcripts: non-coding transcript variant (1).
Genome position (GRCh38, 1-based): chr11:118,000,397, T>C. VCF-style: chr11-118000397-T-C. GRCh37 (hg19) VCF-style: chr11-117871112-T-C.
Identifiers: ClinVar variation 302566 (VCV000302566.5), dbSNP rs188436763, ClinGen allele CA6299293.